The following is an entry in ClinVar:

NM_006371.5(CRTAP):c.280C>T (p.Pro94Ser)

Gene: CRTAP (cartilage associated protein; plus strand). Cytogenetic location: 3p22.3.
Variant type: single nucleotide variant.
Coding change: c.280C>T on transcript NM_006371.5 (MANE Select); coding-DNA position 280, C replaced by T.
Protein change: p.Pro94Ser; replaces proline 94 with serine.
Molecular consequence: missense variant.
Genome position (GRCh38, 1-based): chr3:33,114,357, C>T. VCF-style: chr3-33114357-C-T. GRCh37 (hg19) VCF-style: chr3-33155849-C-T.
Other names: c.280C>T, p.Pro94Ser (NM_001393363.1, NM_001393364.1, NM_001393365.1); short protein forms P94S.
Identifiers: ClinVar variation 2172408 (VCV002172408.3), dbSNP rs2471561650, ClinGen allele CA352008532.

ClinVar aggregate classification (germline): Uncertain significance (1 of 4 stars; one submission).

Conditions:
Osteogenesis imperfecta type 7 (OI7). Also called: OSTEOGENESIS IMPERFECTA, TYPE IIB; Osteogenesis imperfecta type 2B; OI type 2B; Osteogenesis imperfecta, perinatal lethal autosomal recessive; OI type IIB; OI type 7. Identifiers: MedGen C1853162, MONDO:0012536, OMIM 610682.

gnomAD v4.1: 2 of 1,522,372 alleles (0.00013%); highest among the groups gnomAD compares: Non-Finnish European, 0.00018%; no homozygotes.

Submission:

Labcorp Genetics (formerly Invitae), Labcorp
Classification: Uncertain significance for Osteogenesis imperfecta type 7. Last evaluated: 2022-01-26. Review status: criteria provided, single submitter. Criteria: Invitae Variant Classification Sherloc (09022015). Collection method: clinical testing. Allele origin: germline.
Comment: Algorithms developed to predict the effect of missense changes on protein structure and function (SIFT, PolyPhen-2, Align-GVGD) all suggest that this variant is likely to be tolerated. This sequence change replaces proline, which is neutral and non-polar, with serine, which is neutral and polar, at codon 94 of the CRTAP protein (p.Pro94Ser). This variant is not present in population databases (gnomAD no frequency). This variant has not been reported in the literature in individuals affected with CRTAP-related conditions. In summary, the available evidence is currently insufficient to determine the role of this variant in disease. Therefore, it has been classified as a Variant of Uncertain Significance.